The following is an entry in ClinVar:

NM_014915.3(ANKRD26):c.848C>G (p.Thr283Ser)

Gene: ANKRD26 (ankyrin repeat domain containing 26; minus strand). Cytogenetic location: 10p12.1.
Variant type: single nucleotide variant.
Coding change: c.848C>G on transcript NM_014915.3 (MANE Select); coding-DNA position 848, C replaced by G.
Protein change: p.Thr283Ser; replaces threonine 283 with serine.
Molecular consequence: missense variant.
Genome position (GRCh38, 1-based): chr10:27,077,659, G>C on the plus strand (C>G on the coding strand, the complement: ANKRD26 is on the minus strand). VCF-style: chr10-27077659-G-C. GRCh37 (hg19) VCF-style: chr10-27366588-G-C.
Other names: c.848C>G, p.Thr283Ser (NM_001256053.2); short protein forms T283S.
Identifiers: ClinVar variation 3870310 (VCV003870310.1).

ClinVar aggregate classification (germline): Uncertain significance (1 of 4 stars; one submission).

Conditions:
Inborn genetic diseases. Identifiers: MedGen C0950123, MeSH D030342.

Submission:

Ambry Genetics
Classification: Uncertain significance for Inborn genetic diseases. Last evaluated: 2025-01-11. Review status: criteria provided, single submitter. Criteria: Ambry Variant Classification Scheme 2023. Collection method: clinical testing. Allele origin: germline.
Comment: The p.T283S variant (also known as c.848C>G), located in coding exon 8 of the ANKRD26 gene, results from a C to G substitution at nucleotide position 848. The threonine at codon 283 is replaced by serine, an amino acid with similar properties. This amino acid position is conserved. In addition, this alteration is predicted to be tolerated by in silico analysis. Based on the available evidence, the clinical significance of this variant remains unclear.